The following is an entry in ClinVar:

ClinVar aggregate classification (germline): Pathogenic. Review status: criteria provided, multiple submitters, no conflicts (2 of 4 stars). 3 submissions from 3 submitters: Pathogenic (3). Last evaluated 2023-10-19.

Conditions:
Mulibrey nanism syndrome. Also called: MUSCLE-LIVER-BRAIN-EYE NANISM; PERHEENTUPA SYNDROME; PERICARDIAL CONSTRICTION AND GROWTH FAILURE. Identifiers: Orphanet 2576, MedGen C0524582, MONDO:0009664, OMIM 253250.

Submissions (3):

Baylor Genetics
Classification: Pathogenic for Mulibrey nanism syndrome. Last evaluated: 2023-10-19. Review status: criteria provided, single submitter. Criteria: ACMG Guidelines, 2015. Collection method: clinical testing. Allele origin: unknown.

Labcorp Genetics (formerly Invitae), Labcorp
Classification: Pathogenic. Last evaluated: 2023-04-28. Review status: criteria provided, single submitter. Criteria: Invitae Variant Classification Sherloc (09022015). Collection method: clinical testing. Allele origin: germline.
Comment: For these reasons, this variant has been classified as Pathogenic. ClinVar contains an entry for this variant (Variation ID: 1323711). This variant has not been reported in the literature in individuals affected with TRIM37-related conditions. This variant is present in population databases (no rsID available, gnomAD 0.009%). This sequence change creates a premature translational stop signal (p.Lys149Asnfs*9) in the TRIM37 gene. It is expected to result in an absent or disrupted protein product. Loss-of-function variants in TRIM37 are known to be pathogenic (PMID: 10888877, 15108285).

Revvity Omics, Revvity
Classification: Pathogenic for Mulibrey nanism syndrome. Last evaluated: 2019-07-01. Review status: criteria provided, single submitter. Criteria: ACMG Guidelines, 2015. Collection method: clinical testing. Allele origin: germline.

Literature cited by the submitters: PubMed 10888877 (cited by Labcorp Genetics (formerly Invitae), Labcorp); PubMed 15108285 (cited by Labcorp Genetics (formerly Invitae), Labcorp).

NM_015294.6(TRIM37):c.447del (p.Lys149fs)

Gene: TRIM37 (tripartite motif containing 37; minus strand). Cytogenetic location: 17q22.
Variant type: Deletion.
Coding change: c.447del on transcript NM_015294.6 (MANE Select); coding-DNA position 447, one base deleted (A; older notation c.447delA).
Protein change: p.Lys149fs; shifts the reading frame from lysine 149.
Molecular consequence: frameshift variant. On other transcripts: 5 prime UTR variant (2), non-coding transcript variant (2).
Genome position (GRCh38, 1-based): chr17:59,081,142, T deleted on the plus strand (A on the coding strand, the reverse complement: TRIM37 is on the minus strand); the first of 3 consecutive T bases (chr17:59,081,142-59,081,144); deleting any one gives the same sequence. VCF-style (leftmost placement, unchanged base first): chr17-59081141-GT-G. GRCh37 (hg19) VCF-style: chr17-57158502-GT-G.
Other names: c.447del, p.Lys149fs (NM_001005207.5, NM_001320988.3, NM_001320989.3 and 2 more transcripts); c.345del, p.Lys115fs (NM_001320987.3, NM_001353082.2); c.81del, p.Lys27fs (NM_001320990.3); c.-306del (NM_001353083.2); c.-16del (NM_001353085.2); short protein forms K115fs, K149fs, K27fs.
Identifiers: ClinVar variation 1323711 (VCV001323711.8), dbSNP rs1197523487, ClinGen allele CA626744967.
Genomic context (GRCh38, chr17:59,081,141, plus strand): 5'-TTAGTAGTAGTCTTACCACTTCTTGAACTAAGCTGATCAGTTCCATGAGACGCCGACGAA[GT>G]TTGGCTACCTCTTCATTCACTTTAGTGACGTGTTGCTCATAAATTTCTGCCAAAGGTTTA-3'